The following is an entry in ClinVar:

NM_000782.5(CYP24A1):c.683A>G (p.Gln228Arg)

Gene: CYP24A1 (cytochrome P450 family 24 subfamily A member 1; minus strand). Cytogenetic location: 20q13.2.
Variant type: single nucleotide variant.
Coding change: c.683A>G on transcript NM_000782.5 (MANE Select); coding-DNA position 683, A replaced by G.
Protein change: p.Gln228Arg; replaces glutamine 228 with arginine.
Molecular consequence: missense variant.
Genome position (GRCh38, 1-based): chr20:54,165,791, T>C on the plus strand (A>G on the coding strand, the complement: CYP24A1 is on the minus strand). VCF-style: chr20-54165791-T-C. GRCh37 (hg19) VCF-style: chr20-52782330-T-C.
Other names: c.683A>G, p.Gln228Arg (NM_001128915.2); short protein forms Q228R.
Identifiers: ClinVar variation 1948222 (VCV001948222.5), dbSNP rs750368658, ClinGen allele CA9916045.

ClinVar aggregate classification (germline): Uncertain significance (1 of 4 stars; one submission).

Allele frequency attached by ClinVar (database versions not stated): TOPMed below 0.00001; ExAC 0.00001; gnomAD exomes 0.00002.
gnomAD v4.1: 23 of 1,537,726 alleles (0.0015%); highest among the groups gnomAD compares: Non-Finnish European, 0.0019%; no homozygotes.

Submission:

Labcorp Genetics (formerly Invitae), Labcorp
Classification: Uncertain significance. Last evaluated: 2022-03-19. Review status: criteria provided, single submitter. Criteria: Invitae Variant Classification Sherloc (09022015). Collection method: clinical testing. Allele origin: germline.
Comment: In summary, the available evidence is currently insufficient to determine the role of this variant in disease. Therefore, it has been classified as a Variant of Uncertain Significance. Advanced modeling of protein sequence and biophysical properties (such as structural, functional, and spatial information, amino acid conservation, physicochemical variation, residue mobility, and thermodynamic stability) performed at Invitae indicates that this missense variant is not expected to disrupt CYP24A1 protein function. This variant has not been reported in the literature in individuals affected with CYP24A1-related conditions. This variant is present in population databases (rs750368658, gnomAD 0.003%). This sequence change replaces glutamine, which is neutral and polar, with arginine, which is basic and polar, at codon 228 of the CYP24A1 protein (p.Gln228Arg).